The following is an entry in ClinVar:

ClinVar aggregate classification (germline): Benign/Likely benign. Review status: criteria provided, multiple submitters, no conflicts (2 of 4 stars). 7 submissions from 7 submitters: Benign (3); Likely benign (3). 1 of the submissions does not count toward it. Last evaluated 2026-08-01.

Conditions:
Generalized epilepsy-paroxysmal dyskinesia syndrome (PNKD3). Also called: Paroxysmal nonkinesigenic dyskinesia, 3, with or without generalized epilepsy; Generalized epilepsy and paroxysmal dyskinesia. Identifiers: Orphanet 79137, MedGen C5574945, MONDO:0012276, OMIM 609446.
KCNMA1-related disorder. Also called: KCNMA1-related disorders; KCNMA1-related condition.

Allele frequency attached by ClinVar (database versions not stated): 1000 Genomes Project 30x 0.00031; 1000 Genomes Project 0.00040; TOPMed 0.00168; ESP Exome Variant Server 0.00246; gnomAD 0.00299 and 0.00314; ExAC 0.00328.
gnomAD v4.1: 4,423 of 1,613,564 alleles (0.27%); highest among the groups gnomAD compares: Non-Finnish European, 0.26%; 18 homozygotes.

Submissions (7):

CeGaT Center for Human Genetics Tuebingen
Classification: Likely benign. Last evaluated: 2026-08-01. Review status: criteria provided, single submitter. Criteria: CeGaT Center For Human Genetics Tuebingen Variant Classification Criteria Version 2. Collection method: clinical testing. Allele origin: germline. Affected: yes. Observed: 48 variant alleles.
Comment: KCNMA1: BP4, BP7

Labcorp Genetics (formerly Invitae), Labcorp
Classification: Benign for Generalized epilepsy-paroxysmal dyskinesia syndrome. Last evaluated: 2026-02-03. Review status: criteria provided, single submitter. Criteria: Invitae Variant Classification Sherloc (09022015). Collection method: clinical testing. Allele origin: germline.

Mayo Clinic Laboratories, Mayo Clinic
Classification: Benign. Last evaluated: 2024-10-17. Review status: criteria provided, single submitter. Criteria: ACMG Guidelines, 2015. Collection method: clinical testing. Allele origin: germline. Observed: 2 variant alleles.
Comment: BS1, BS2, BP4

GeneDx
Classification: Benign. Last evaluated: 2019-09-24. Review status: criteria provided, single submitter. Criteria: GeneDx Variant Classification Process June 2021. Collection method: clinical testing. Allele origin: germline. Affected: yes.

Illumina Laboratory Services, Illumina
Classification: Likely benign for Generalized epilepsy-paroxysmal dyskinesia syndrome. Last evaluated: 2018-01-13. Review status: criteria provided, single submitter. Criteria: ICSL Variant Classification Criteria 13 December 2019. Collection method: clinical testing. Allele origin: germline.
Comment: This variant was observed in the ICSL laboratory as part of a predisposition screen in an ostensibly healthy population. It had not been previously curated by ICSL or reported in the Human Gene Mutation Database (HGMD: prior to June 1st, 2018), and was therefore a candidate for classification through an automated scoring system. Utilizing variant allele frequency, disease prevalence and penetrance estimates, and inheritance mode, an automated score was calculated to assess if this variant is too frequent to cause the disease. Based on the score and internal cut-off values, a variant classified as likely benign is not then subjected to further curation. The score for this variant resulted in a classification of likely benign for this disease.

Breakthrough Genomics
Classification: Likely benign. Review status: criteria provided, single submitter. Criteria: ACMG Guidelines, 2015. Collection method: not provided. Allele origin: germline. Inheritance: Autosomal recessive inheritance. Affected: yes.

PreventionGenetics, part of Exact Sciences
Classification: Benign for KCNMA1-related condition. Last evaluated: 2019-07-12. Review status: no assertion criteria provided. Collection method: clinical testing. Allele origin: germline. Not counted in ClinVar's aggregate classification.
Comment: This variant is classified as benign based on ACMG/AMP sequence variant interpretation guidelines (Richards et al. 2015 PMID: 25741868, with internal and published modifications).

NM_001161352.2(KCNMA1):c.945C>T (p.Ala315=)

Gene: KCNMA1 (potassium calcium-activated channel subfamily M alpha 1; minus strand). Cytogenetic location: 10q22.3.
Variant type: single nucleotide variant.
Coding change: c.945C>T on transcript NM_001161352.2 (MANE Select); coding-DNA position 945, C replaced by T.
Protein change: p.Ala315=; no amino-acid change (alanine 315 retained).
Molecular consequence: synonymous variant.
Genome position (GRCh38, 1-based): chr10:77,112,382, G>A on the plus strand (C>T on the coding strand, the complement: KCNMA1 is on the minus strand). VCF-style: chr10-77112382-G-A. GRCh37 (hg19) VCF-style: chr10-78872140-G-A.
Other names: p.Ala315=; c.945C>T, p.Ala315= (NM_001014797.3, NM_001161353.2, NM_001271519.2 and 7 more transcripts); c.783C>T, p.Ala261= (NM_001271518.2); c.405C>T, p.Ala135= (NM_001322838.2).
Identifiers: ClinVar variation 300969 (VCV000300969.52), dbSNP rs79713097, ClinGen allele CA5568573.